The following is an entry in ClinVar:

NM_022772.4(EPS8L2):c.760_762del (p.Lys254del)

Gene: EPS8L2 (EPS8 signaling adaptor L2; plus strand). Cytogenetic location: 11p15.5.
Variant type: Deletion.
Coding change: c.760_762del on transcript NM_022772.4 (MANE Select); coding-DNA positions 760 to 762, 3 bases deleted (AAG; older notation c.760_762delAAG).
Protein change: p.Lys254del; deletes lysine 254.
Molecular consequence: inframe deletion.
Genome position (GRCh38, 1-based): chr11:721,344-721,346, AAG deleted; deleting any 3 consecutive bases within chr11:721,342-721,346 gives the same sequence; the c. name uses the placement nearest the transcript's 3' end. VCF-style (leftmost placement, unchanged base first): chr11-721341-GAGA-G. GRCh37 (hg19) VCF-style: chr11-721341-GAGA-G.
Other names: short protein forms K254del.
Identifiers: ClinVar variation 1479321 (VCV001479321.6), dbSNP rs935593181, ClinGen allele CA216939558.

ClinVar aggregate classification (germline): Uncertain significance (1 of 4 stars; one submission).

Submission:

Labcorp Genetics (formerly Invitae), Labcorp
Classification: Uncertain significance. Last evaluated: 2021-09-23. Review status: criteria provided, single submitter. Criteria: Invitae Variant Classification Sherloc (09022015). Collection method: clinical testing. Allele origin: germline.
Comment: The frequency data for this variant in the population databases is considered unreliable, as metrics indicate insufficient coverage at this position in the ExAC database. This variant has not been reported in the literature in individuals affected with EPS8L2-related conditions. Experimental studies and prediction algorithms are not available or were not evaluated, and the functional significance of this variant is currently unknown. In summary, the available evidence is currently insufficient to determine the role of this variant in disease. Therefore, it has been classified as a Variant of Uncertain Significance. This variant, c.760_762del, results in the deletion of 1 amino acid(s) of the EPS8L2 protein (p.Lys254del), but otherwise preserves the integrity of the reading frame.